The following is an entry in ClinVar:

NM_014991.6(WDFY3):c.7254C>T (p.Pro2418=)

Gene: WDFY3 (WD repeat and FYVE domain containing 3; minus strand). Cytogenetic location: 4q21.23.
Variant type: single nucleotide variant.
Coding change: c.7254C>T on transcript NM_014991.6 (MANE Select); coding-DNA position 7254, C replaced by T.
Protein change: p.Pro2418=; no amino-acid change (proline 2418 retained).
Molecular consequence: synonymous variant.
Genome position (GRCh38, 1-based): chr4:84,726,879, G>A on the plus strand (C>T on the coding strand, the complement: WDFY3 is on the minus strand). VCF-style: chr4-84726879-G-A. GRCh37 (hg19) VCF-style: chr4-85648032-G-A.
Identifiers: ClinVar variation 4873567 (VCV004873567.3).
Genomic context (GRCh38, chr4:84,726,879, plus strand): 5'-CTACAAGTAGTTTACATTCTTTTACTGTAATTTGTGTTTTACCTTTTGAGGAATATCATC[G>A]GGTGTCTCAGGCTGTTTACTTGGGATCTCAGACTGAAAACAGGGTATTAAGTATAGACAT-3'
Protein context (NP_055806.2, residues 2408-2428): SEIPSKQPET[Pro2418=]DDIPQKKPAR

ClinVar aggregate classification (germline): Likely benign. Review status: criteria provided, multiple submitters, no conflicts (2 of 4 stars). 2 submissions from 2 submitters: Likely benign (2). Last evaluated 2026-04-01.

gnomAD v4.1: 81 of 1,607,884 alleles (0.005%); highest among the groups gnomAD compares: Non-Finnish European, 0.0038%; no homozygotes.

Submissions (2):

CeGaT Center for Human Genetics Tuebingen
Classification: Likely benign. Last evaluated: 2026-04-01. Review status: criteria provided, single submitter. Criteria: CeGaT Center For Human Genetics Tuebingen Variant Classification Criteria Version 2. Collection method: clinical testing. Allele origin: germline. Affected: yes. Observed: 1 variant allele.
Comment: WDFY3: BP4, BP7

Blueprint Genetics
Classification: Likely benign. Last evaluated: 2024-09-11. Review status: criteria provided, single submitter. Criteria: ACMG Guidelines, 2015. Collection method: clinical testing. Allele origin: germline.